The following is an entry in ClinVar:

ClinVar aggregate classification (germline): Benign/Likely benign. Review status: criteria provided, multiple submitters, no conflicts (2 of 4 stars). 2 submissions from 2 submitters: Benign (1); Likely benign (1). Last evaluated 2025-12-29.

Allele frequency attached by ClinVar (database versions not stated): gnomAD exomes 0.00112; ExAC 0.00165; TOPMed 0.00204; gnomAD 0.00207; ESP Exome Variant Server 0.00246; 1000 Genomes Project 0.00419; 1000 Genomes Project 30x 0.00422.
gnomAD v4.1: 1,022 of 1,607,130 alleles (0.064%); highest among the groups gnomAD compares: African/African-American, 0.63%; 7 homozygotes.

Submissions (2):

Labcorp Genetics (formerly Invitae), Labcorp
Classification: Benign. Last evaluated: 2025-12-29. Review status: criteria provided, single submitter. Criteria: Invitae Variant Classification Sherloc (09022015). Collection method: clinical testing. Allele origin: germline.

CeGaT Center for Human Genetics Tuebingen
Classification: Likely benign. Last evaluated: 2025-02-01. Review status: criteria provided, single submitter. Criteria: CeGaT Center For Human Genetics Tuebingen Variant Classification Criteria Version 2. Collection method: clinical testing. Allele origin: germline. Affected: yes. Observed: 6 variant alleles.
Comment: DLL1: BP4, BP7

NM_005618.4(DLL1):c.1650C>T (p.Ala550=)

Gene: DLL1 (delta like canonical Notch ligand 1; minus strand). Cytogenetic location: 6q27.
Variant type: single nucleotide variant.
Coding change: c.1650C>T on transcript NM_005618.4 (MANE Select); coding-DNA position 1650, C replaced by T.
Protein change: p.Ala550=; no amino-acid change (alanine 550 retained).
Molecular consequence: synonymous variant.
Genome position (GRCh38, 1-based): chr6:170,283,629, G>A on the plus strand (C>T on the coding strand, the complement: DLL1 is on the minus strand). VCF-style: chr6-170283629-G-A. GRCh37 (hg19) VCF-style: chr6-170592717-G-A.
Identifiers: ClinVar variation 725883 (VCV000725883.33), dbSNP rs146859652, ClinGen allele CA4106772.
Genomic context (GRCh38, chr6:170,283,629, plus strand): 5'-CCGGACGCAGACCACCACAGCGGCACAGCCCAGCAGCAGCATGAGGACAAGGATGACCCC[G>A]GCGCACACGGCCACCCAGGGGAATGGCCCGCCCTGGCCCTCTAGCTTCTCAGTGAGGTCC-3'
Protein context (NP_005609.3, residues 540-560): GGPFPWVAVC[Ala550=]GVILVLMLLL